The following is an entry in ClinVar:

NM_003998.4(NFKB1):c.1616del (p.Val539fs)

Gene: NFKB1 (nuclear factor kappa B subunit 1; plus strand). Cytogenetic location: 4q24.
Variant type: Deletion.
Coding change: c.1616del on transcript NM_003998.4 (MANE Select); coding-DNA position 1616, one base deleted (T; older notation c.1616delT).
Protein change: p.Val539fs; shifts the reading frame from valine 539.
Molecular consequence: frameshift variant.
Genome position (GRCh38, 1-based): chr4:102,597,640, T deleted. VCF-style (leftmost placement, unchanged base first): chr4-102597639-GT-G. GRCh37 (hg19) VCF-style: chr4-103518796-GT-G.
Other names: c.1613del, p.Val538fs (NM_001165412.2, NM_001319226.2, NM_001382627.1); c.1616del, p.Val539fs (NM_001382625.1, NM_001382626.1); c.1574del, p.Val525fs (NM_001382628.1); short protein forms V539fs, V525fs, V538fs.
Identifiers: ClinVar variation 1419528 (VCV001419528.6), dbSNP rs2149208637, ClinGen allele CA2573137759.

ClinVar aggregate classification (germline): Pathogenic (1 of 4 stars; one submission).

Submission:

Labcorp Genetics (formerly Invitae), Labcorp
Classification: Pathogenic. Last evaluated: 2021-06-28. Review status: criteria provided, single submitter. Criteria: Invitae Variant Classification Sherloc (09022015). Collection method: clinical testing. Allele origin: germline.
Comment: For these reasons, this variant has been classified as Pathogenic. This variant has not been reported in the literature in individuals with NFKB1-related conditions. This variant is not present in population databases (ExAC no frequency). This sequence change creates a premature translational stop signal (p.Val539Glyfs*12) in the NFKB1 gene. It is expected to result in an absent or disrupted protein product. Loss-of-function variants in NFKB1 are known to be pathogenic (PMID: 26279205, 29477724).

Literature cited by the submitters: PubMed 26279205; PubMed 29477724.